The following is an entry in ClinVar:

ClinVar aggregate classification (germline): Pathogenic (1 of 4 stars; one submission).

Conditions:
Retinitis pigmentosa 59 (RP59). Identifiers: Orphanet 791, MedGen C3151227, MONDO:0013468, OMIM 613861.

Submission:

Labcorp Genetics (formerly Invitae), Labcorp
Classification: Pathogenic for Retinitis pigmentosa 59. Last evaluated: 2024-11-19. Review status: criteria provided, single submitter. Criteria: Invitae Variant Classification Sherloc (09022015). Collection method: clinical testing. Allele origin: germline.
Comment: This sequence change creates a premature translational stop signal (p.Trp12*) in the DHDDS gene. It is expected to result in an absent or disrupted protein product. Loss-of-function variants in DHDDS are known to be pathogenic (PMID: 24664742). This variant is not present in population databases (gnomAD no frequency). This variant has not been reported in the literature in individuals affected with DHDDS-related conditions. For these reasons, this variant has been classified as Pathogenic.

Literature cited by the submitters: PubMed 24664742.

NM_205861.3(DHDDS):c.35G>A (p.Trp12Ter)

Gene: DHDDS (dehydrodolichyl diphosphate synthase subunit; plus strand). Cytogenetic location: 1p36.11.
Variant type: single nucleotide variant.
Coding change: c.35G>A on transcript NM_205861.3 (MANE Select); coding-DNA position 35, G replaced by A.
Protein change: p.Trp12Ter; replaces tryptophan 12 with a stop codon.
Molecular consequence: nonsense. On other transcripts: 5 prime UTR variant (1).
Genome position (GRCh38, 1-based): chr1:26,432,980, G>A. VCF-style: chr1-26432980-G-A. GRCh37 (hg19) VCF-style: chr1-26759471-G-A.
Other names: c.35G>A, p.Trp12Ter (NM_001243564.2, NM_001243565.2, NM_024887.4); c.-268G>A (NM_001319959.2); short protein forms W12*.
Identifiers: ClinVar variation 3725536 (VCV003725536.2).